The following is an entry in ClinVar:

NM_152703.5(SAMD9L):c.113T>C (p.Leu38Pro)

Gene: SAMD9L (sterile alpha motif domain containing 9 like; minus strand). Cytogenetic location: 7q21.2.
Variant type: single nucleotide variant.
Coding change: c.113T>C on transcript NM_152703.5 (MANE Select); coding-DNA position 113, T replaced by C.
Protein change: p.Leu38Pro; replaces leucine 38 with proline.
Molecular consequence: missense variant.
Genome position (GRCh38, 1-based): chr7:93,135,859, A>G on the plus strand (T>C on the coding strand, the complement: SAMD9L is on the minus strand). VCF-style: chr7-93135859-A-G. GRCh37 (hg19) VCF-style: chr7-92765172-A-G.
Other names: c.113T>C, p.Leu38Pro (NM_001303496.3, NM_001303497.3, NM_001303498.3 and 5 more transcripts); short protein forms L38P.
Identifiers: ClinVar variation 3613873 (VCV003613873.2).

ClinVar aggregate classification (germline): Uncertain significance (1 of 4 stars; one submission).

gnomAD v4.1: 2 of 1,614,000 alleles (0.00012%); highest among the groups gnomAD compares: African/African-American, 0.0013%; no homozygotes.

Submission:

Labcorp Genetics (formerly Invitae), Labcorp
Classification: Uncertain significance. Last evaluated: 2024-02-23. Review status: criteria provided, single submitter. Criteria: Invitae Variant Classification Sherloc (09022015). Collection method: clinical testing. Allele origin: germline.
Comment: This sequence change replaces leucine, which is neutral and non-polar, with proline, which is neutral and non-polar, at codon 38 of the SAMD9L protein (p.Leu38Pro). This variant is present in population databases (rs757801762, gnomAD 0.007%). This variant has not been reported in the literature in individuals affected with SAMD9L-related conditions. An algorithm developed to predict the effect of missense changes on protein structure and function (PolyPhen-2) suggests that this variant is likely to be disruptive. In summary, the available evidence is currently insufficient to determine the role of this variant in disease. Therefore, it has been classified as a Variant of Uncertain Significance.